The following is an entry in ClinVar:

ClinVar aggregate classification (germline): Uncertain significance (1 of 4 stars; one submission).

Allele frequency attached by ClinVar (database versions not stated): gnomAD exomes below 0.00001; TOPMed below 0.00001; gnomAD 0.00001.
gnomAD v4.1: 2 of 1,599,428 alleles (0.00013%); highest among the groups gnomAD compares: Non-Finnish European, 0.00017%; no homozygotes.

Submission:

Women's Health and Genetics/Laboratory Corporation of America, LabCorp
Classification: Uncertain significance. Last evaluated: 2023-08-14. Review status: criteria provided, single submitter. Criteria: LabCorp Variant Classification Summary - May 2015. Collection method: clinical testing. Allele origin: germline.
Comment: Variant summary: CITED2 c.28C>T (p.His10Tyr) results in a conservative amino acid change in the encoded protein sequence. Three of five in-silico tools predict a damaging effect of the variant on protein function. The variant was absent in 239144 control chromosomes (gnomAD). The available data on variant occurrences in the general population are insufficient to allow any conclusion about variant significance. To our knowledge, no occurrence of c.28C>T in individuals affected with CITED2-Related Disorders and no experimental evidence demonstrating its impact on protein function have been reported. No submitters have cited clinical-significance assessments for this variant to ClinVar after 2014. Based on the evidence outlined above, the variant was classified as uncertain significance.

NM_006079.5(CITED2):c.28C>T (p.His10Tyr)

Gene: CITED2 (Cbp/p300 interacting transactivator with Glu/Asp rich carboxy-terminal domain 2; minus strand). Cytogenetic location: 6q24.1.
Variant type: single nucleotide variant.
Coding change: c.28C>T on transcript NM_006079.5 (MANE Select); coding-DNA position 28, C replaced by T.
Protein change: p.His10Tyr; replaces histidine 10 with tyrosine.
Molecular consequence: missense variant.
Genome position (GRCh38, 1-based): chr6:139,373,917, G>A on the plus strand (C>T on the coding strand, the complement: CITED2 is on the minus strand). VCF-style: chr6-139373917-G-A. GRCh37 (hg19) VCF-style: chr6-139695054-G-A.
Other names: c.28C>T, p.His10Tyr (NM_001168388.3); c.43C>T, p.His15Tyr (NM_001168389.3); short protein forms H10Y, H15Y.
Identifiers: ClinVar variation 2581685 (VCV002581685.1), dbSNP rs1413627110, ClinGen allele CA365878277.